The following is an entry in ClinVar:

ClinVar aggregate classification (germline): Likely benign (1 of 4 stars; one submission).

Allele frequency attached by ClinVar (database versions not stated): ExAC 0.00001; gnomAD 0.00001; gnomAD exomes 0.00001; TOPMed 0.00001.
gnomAD v4.1: 16 of 1,613,668 alleles (0.00099%); highest among the groups gnomAD compares: African/African-American, 0.0013%; no homozygotes.

Submission:

CeGaT Center for Human Genetics Tuebingen
Classification: Likely benign. Last evaluated: 2023-12-01. Review status: criteria provided, single submitter. Criteria: CeGaT Center For Human Genetics Tuebingen Variant Classification Criteria Version 2. Collection method: clinical testing. Allele origin: germline. Affected: yes. Observed: 1 variant allele.
Comment: SLC5A4: BP4, BP7

NM_014227.3(SLC5A4):c.708C>T (p.Tyr236=)

Genes: SLC5A4 (solute carrier family 5 member 4; minus strand), SLC5A4-AS1 (SLC5A4 antisense RNA 1; plus strand). Cytogenetic location: 22q12.3.
Variant type: single nucleotide variant.
Coding change: c.708C>T on transcript NM_014227.3 (MANE Select); coding-DNA position 708, C replaced by T.
Protein change: p.Tyr236=; no amino-acid change (tyrosine 236 retained).
Molecular consequence: synonymous variant.
Genome position (GRCh38, 1-based): chr22:32,235,050, G>A on the plus strand (C>T on the coding strand, the complement: SLC5A4 is on the minus strand). VCF-style: chr22-32235050-G-A. GRCh37 (hg19) VCF-style: chr22-32631037-G-A.
Identifiers: ClinVar variation 3026126 (VCV003026126.22), dbSNP rs767243209, ClinGen allele CA10199561.